The following is an entry in ClinVar:

ClinVar aggregate classification (germline): Uncertain significance. Review status: criteria provided, multiple submitters, no conflicts (2 of 4 stars). 2 submissions from 2 submitters: Uncertain significance (2). Last evaluated 2024-08-21.

Conditions:
Inborn genetic diseases. Identifiers: MedGen C0950123, MeSH D030342.

Allele frequency attached by ClinVar (database versions not stated): ExAC 0.00001; gnomAD exomes 0.00002 and 0.00004; gnomAD 0.00005 and 0.00006.
gnomAD v4.1: 69 of 1,600,214 alleles (0.0043%); highest among the groups gnomAD compares: African/African-American, 0.0081%; no homozygotes.

Submissions (2):

Ambry Genetics
Classification: Uncertain significance for Inborn genetic diseases. Last evaluated: 2024-08-21. Review status: criteria provided, single submitter. Criteria: Ambry Variant Classification Scheme 2023. Collection method: clinical testing. Allele origin: germline.

Labcorp Genetics (formerly Invitae), Labcorp
Classification: Uncertain significance. Last evaluated: 2022-06-13. Review status: criteria provided, single submitter. Criteria: Invitae Variant Classification Sherloc (09022015). Collection method: clinical testing. Allele origin: germline.
Comment: This sequence change replaces arginine, which is basic and polar, with histidine, which is basic and polar, at codon 1100 of the PTPN23 protein (p.Arg1100His). This variant is present in population databases (rs763130796, gnomAD 0.009%). This variant has not been reported in the literature in individuals affected with PTPN23-related conditions. Algorithms developed to predict the effect of missense changes on protein structure and function output the following: SIFT: "Deleterious"; PolyPhen-2: "Benign"; Align-GVGD: "Class C0". The histidine amino acid residue is found in multiple mammalian species, which suggests that this missense change does not adversely affect protein function. In summary, the available evidence is currently insufficient to determine the role of this variant in disease. Therefore, it has been classified as a Variant of Uncertain Significance.

NM_015466.4(PTPN23):c.3299G>A (p.Arg1100His)

Gene: PTPN23 (protein tyrosine phosphatase non-receptor type 23; plus strand). Cytogenetic location: 3p21.31.
Variant type: single nucleotide variant.
Coding change: c.3299G>A on transcript NM_015466.4 (MANE Select); coding-DNA position 3299, G replaced by A.
Protein change: p.Arg1100His; replaces arginine 1100 with histidine.
Molecular consequence: missense variant.
Genome position (GRCh38, 1-based): chr3:47,411,097, G>A. VCF-style: chr3-47411097-G-A. GRCh37 (hg19) VCF-style: chr3-47452587-G-A.
Other names: c.2921G>A, p.Arg974His (NM_001304482.2); c.3299G>A (NM_015466.2); short protein forms R974H, R1100H.
Identifiers: ClinVar variation 1432692 (VCV001432692.7), dbSNP rs763130796, ClinGen allele CA2366242.